The following is an entry in ClinVar:

ClinVar aggregate classification (germline): Uncertain significance. Review status: criteria provided, single submitter (1 of 4 stars). 2 submissions from 2 submitters: Uncertain significance (1). 1 of the submissions does not count toward it. Last evaluated 2024-10-26.

Conditions:
Inborn genetic diseases. Identifiers: MedGen C0950123, MeSH D030342.

Submissions (2):

Ambry Genetics
Classification: Uncertain significance for Inborn genetic diseases. Last evaluated: 2024-10-26. Review status: criteria provided, single submitter. Criteria: Ambry Variant Classification Scheme 2023. Collection method: clinical testing. Allele origin: germline.

ITMI
No classification provided. Condition: AllHighlyPenetrant. Last evaluated: 2013-09-19. Review status: no classification provided. Collection method: reference population. Allele origin: germline. Not counted in ClinVar's aggregate classification.
Comment: Please see associated publication for description of ethnicities

Literature cited by the submitters: PubMed 24728327 (cited by ITMI).

NM_001429.4(EP300):c.2627A>T (p.Gln876Leu)

Gene: EP300 (E1A binding protein p300; plus strand). Cytogenetic location: 22q13.2.
Variant type: single nucleotide variant.
Coding change: c.2627A>T on transcript NM_001429.4 (MANE Select); coding-DNA position 2627, A replaced by T.
Protein change: p.Gln876Leu; replaces glutamine 876 with leucine.
Molecular consequence: missense variant.
Genome position (GRCh38, 1-based): chr22:41,150,008, A>T. VCF-style: chr22-41150008-A-T. GRCh37 (hg19) VCF-style: chr22-41546012-A-T.
Other names: c.2549A>T, p.Gln850Leu (NM_001362843.2); c.2627A>T (NM_001429.3); short protein forms Q876L, Q850L.
Identifiers: ClinVar variation 134038 (VCV000134038.2), dbSNP rs587778254, ClinGen allele CA158486.